The following is an entry in ClinVar:

NM_001987.5(ETV6):c.648G>C (p.Glu216Asp)

Gene: ETV6 (ETS variant transcription factor 6; plus strand). Cytogenetic location: 12p13.2.
Variant type: single nucleotide variant.
Coding change: c.648G>C on transcript NM_001987.5 (MANE Select); coding-DNA position 648, G replaced by C.
Protein change: p.Glu216Asp; replaces glutamic acid 216 with aspartic acid.
Molecular consequence: missense variant.
Genome position (GRCh38, 1-based): chr12:11,869,608, G>C. VCF-style: chr12-11869608-G-C. GRCh37 (hg19) VCF-style: chr12-12022542-G-C.
Other names: c.645G>C, p.Glu215Asp (NM_001413913.1); c.621G>C, p.Glu207Asp (NM_001413914.1); c.384G>C, p.Glu128Asp (NM_001413915.1); c.648G>C, p.Glu216Asp (NM_001413916.1, NM_001413917.1); short protein forms E215D, E207D, E216D, E128D.
Identifiers: ClinVar variation 5036192 (VCV005036192.1).
Genomic context (GRCh38, chr12:11,869,608, plus strand): 5'-CGAGCAGCGGCCCCTCCGGTCCCCCCTGGACAACATGATCCGCCGCCTCTCCCCGGCTGA[G>C]AGAGCTCAGGGACCCAGGCCGCACCAGGAGAACAACCACCAGGAGTCCTACCCTCTGTCA-3'
Protein context (NP_001978.1, residues 206-226): DNMIRRLSPA[Glu216Asp]RAQGPRPHQE

ClinVar aggregate classification (germline): Uncertain significance (1 of 4 stars; one submission).

Conditions:
Inborn genetic diseases. Identifiers: MedGen C0950123, MeSH D030342.

Submission:

Ambry Genetics
Classification: Uncertain significance for Inborn genetic diseases. Last evaluated: 2026-07-07. Review status: criteria provided, single submitter. Criteria: Ambry Variant Classification Scheme 2023. Collection method: clinical testing. Allele origin: germline.
Comment: The p.E216D variant (also known as c.648G>C), located in coding exon 5 of the ETV6 gene, results from a G to C substitution at nucleotide position 648. The glutamic acid at codon 216 is replaced by aspartic acid, an amino acid with highly similar properties. This amino acid position is conserved. In addition, this alteration is predicted to be tolerated by in silico analysis. Based on the available evidence, the clinical significance of this variant remains unclear.